The following is an entry in ClinVar:

NM_001364905.1(LRBA):c.6512G>A (p.Arg2171His)

Gene: LRBA (LPS responsive beige-like anchor protein; minus strand). Cytogenetic location: 4q31.3.
Variant type: single nucleotide variant.
Coding change: c.6512G>A on transcript NM_001364905.1 (MANE Select); coding-DNA position 6512, G replaced by A.
Protein change: p.Arg2171His; replaces arginine 2171 with histidine.
Molecular consequence: missense variant.
Genome position (GRCh38, 1-based): chr4:150,487,771, C>T on the plus strand (G>A on the coding strand, the complement: LRBA is on the minus strand). VCF-style: chr4-150487771-C-T. GRCh37 (hg19) VCF-style: chr4-151408923-C-T.
Other names: c.6512G>A, p.Arg2171His (NM_001199282.3, NM_001367550.1); c.6545G>A, p.Arg2182His (NM_006726.5); short protein forms R2182H, R2171H.
Identifiers: ClinVar variation 969320 (VCV000969320.7), dbSNP rs572317255, ClinGen allele CA108360821.

ClinVar aggregate classification (germline): Uncertain significance. Review status: criteria provided, multiple submitters, no conflicts (2 of 4 stars). 2 submissions from 2 submitters: Uncertain significance (2). Last evaluated 2024-07-14.

Conditions:
Inborn genetic diseases. Identifiers: MedGen C0950123, MeSH D030342.
Combined immunodeficiency due to LRBA deficiency. Also called: Common variable immunodeficiency 8, with autoimmunity. Identifiers: Orphanet 445018, MedGen C3553512, MONDO:0013863, OMIM 614700.

Allele frequency attached by ClinVar (database versions not stated): gnomAD 0.00003; TOPMed 0.00003.
gnomAD v4.1: 18 of 1,599,570 alleles (0.0011%); highest among the groups gnomAD compares: African/African-American, 0.0054%; no homozygotes.

Submissions (2):

Ambry Genetics
Classification: Uncertain significance for Inborn genetic diseases. Last evaluated: 2024-07-14. Review status: criteria provided, single submitter. Criteria: Ambry Variant Classification Scheme 2023. Collection method: clinical testing. Allele origin: germline.

Labcorp Genetics (formerly Invitae), Labcorp
Classification: Uncertain significance for Combined immunodeficiency due to LRBA deficiency. Last evaluated: 2021-08-24. Review status: criteria provided, single submitter. Criteria: Invitae Variant Classification Sherloc (09022015). Collection method: clinical testing. Allele origin: germline.
Comment: This sequence change replaces arginine with histidine at codon 2182 of the LRBA protein (p.Arg2182His). The arginine residue is moderately conserved and there is a small physicochemical difference between arginine and histidine. This variant is not present in population databases (ExAC no frequency). This variant has not been reported in the literature in individuals affected with LRBA-related conditions. Algorithms developed to predict the effect of missense changes on protein structure and function are either unavailable or do not agree on the potential impact of this missense change (SIFT: "Deleterious"; PolyPhen-2: "Benign"; Align-GVGD: "Class C0"). In summary, the available evidence is currently insufficient to determine the role of this variant in disease. Therefore, it has been classified as a Variant of Uncertain Significance.